The following is an entry in ClinVar:

NM_021954.4(GJA3):c.1291_1294dup (p.Asp432fs)

Gene: GJA3 (gap junction protein alpha 3; minus strand). Cytogenetic location: 13q12.11.
Variant type: Duplication.
Coding change: c.1291_1294dup on transcript NM_021954.4 (MANE Select); coding-DNA positions 1291 to 1294, 4 bases duplicated (GAGG; older notation c.1291_1294dupGAGG).
Protein change: p.Asp432fs; shifts the reading frame from aspartic acid 432.
Molecular consequence: frameshift variant.
Genome position (GRCh38, 1-based): chr13:20,141,995-20,141,998, CCTC duplicated on the plus strand (GAGG on the coding strand, the reverse complement: GJA3 is on the minus strand); duplicating any 4 consecutive bases within chr13:20,141,995-20,141,999 gives the same sequence; the c. name uses the placement nearest the transcript's 3' end. VCF-style (leftmost placement, unchanged base first): chr13-20141994-T-TCCTC. GRCh37 (hg19) VCF-style: chr13-20716133-T-TCCTC.
Other names: short protein forms D432fs.
Identifiers: ClinVar variation 5001859 (VCV005001859.1).

ClinVar aggregate classification (germline): Likely pathogenic (1 of 4 stars; one submission).

Conditions:
GJA3-related disorder. Also called: GJA3-related condition.

Submission:

PreventionGenetics, part of Exact Sciences
Classification: Likely pathogenic for GJA3-related condition. Last evaluated: 2025-08-16. Review status: criteria provided, single submitter. Criteria: ACMG Guidelines, 2015. Collection method: clinical testing. Allele origin: germline.
Comment: The GJA3 c.1291_1294dupGAGG variant is predicted to result in a frameshift and premature protein termination (p.Asp432Glyfs*37). This variant is predicted to disrupt the native stop codon and extend the protein coding sequence by 33 amino acids. To our knowledge, this variant has not been reported in the literature or in a large population database (gnomAD), indicating this variant is rare. Several other frameshift variants causing a stop loss and protein extension have been documented in patients with GJA3-related phenotypes (Khidiyatova et al. 2023. PubMed ID: 37367076; Mackay et al. 1999. PubMed ID: 10205266; Li et al. 2019. PubMed ID: 31842807). Functional studies on a protein extending variant showed that elongation of the reading frame impacted connexon assembly and disrupted the formation of intercellular gap junctions (Pal et al. 2000. PubMed ID: 10942709). Frameshift variants in GJA3 are expected to be pathogenic. This variant is interpreted as likely pathogenic.